The following is an entry in ClinVar:

NM_022114.4(PRDM16):c.387+167G>T

Gene: PRDM16 (PR/SET domain 16; plus strand). Cytogenetic location: 1p36.32.
Variant type: single nucleotide variant.
Coding change: c.387+167G>T on transcript NM_022114.4 (MANE Select); 167 bases into the intron after coding-DNA position 387, G replaced by T.
Molecular consequence: intron variant.
Genome position (GRCh38, 1-based): chr1:3,186,641, G>T. VCF-style: chr1-3186641-G-T. GRCh37 (hg19) VCF-style: chr1-3103205-G-T.
Other names: c.387+167G>T (NM_199454.3).
Identifiers: ClinVar variation 679794 (VCV000679794.2), dbSNP rs114746406, ClinGen allele CA10869961.

ClinVar aggregate classification (germline): Benign. Review status: criteria provided, multiple submitters, no conflicts (2 of 4 stars). 2 submissions from 2 submitters: Benign (2). Last evaluated 2018-06-14.

Allele frequency attached by ClinVar (database versions not stated): 1000 Genomes Project 0.01358; gnomAD 0.01466; 1000 Genomes Project 30x 0.01593; TOPMed 0.01644.
gnomAD v4.1: 2,781 of 561,098 alleles (0.5%); highest among the groups gnomAD compares: African/African-American, 4.8%; 68 homozygotes.

Submissions (2):

GeneDx
Classification: Benign. Last evaluated: 2018-06-14. Review status: criteria provided, single submitter. Criteria: GeneDx Variant Classification (06012015). Collection method: clinical testing. Allele origin: germline. Affected: yes.
Comment: This variant is considered likely benign or benign based on one or more of the following criteria: it is a conservative change, it occurs at a poorly conserved position in the protein, it is predicted to be benign by multiple in silico algorithms, and/or has population frequency not consistent with disease.

Breakthrough Genomics
Classification: Benign. Review status: criteria provided, single submitter. Criteria: ACMG Guidelines, 2015. Collection method: not provided. Allele origin: germline. Inheritance: Autosomal dominant inheritance. Affected: yes.